The following is an entry in ClinVar:

NM_001267550.2(TTN):c.70379_70382dup (p.Gly23463fs)

Genes: TTN (titin; minus strand), TTN-AS1 (TTN antisense RNA 1; plus strand), LOC126806422 (BRD4-independent group 4 enhancer GRCh37_chr2:179440205-179441404; plus strand). Cytogenetic location: 2q31.2.
Variant type: Duplication.
Coding change: c.70379_70382dup on transcript NM_001267550.2 (MANE Select); coding-DNA positions 70379 to 70382, 4 bases duplicated (TGAT; older notation c.70379_70382dupTGAT).
Protein change: p.Gly23463fs; shifts the reading frame from glycine 23463.
Molecular consequence: frameshift variant.
Genome position (GRCh38, 1-based): chr2:178,575,750-178,575,753, ATCA duplicated on the plus strand (TGAT on the coding strand, the reverse complement: TTN is on the minus strand). VCF-style (leftmost placement, unchanged base first): chr2-178575749-T-TATCA. GRCh37 (hg19) VCF-style: chr2-179440476-T-TATCA.
Other names: c.65456_65459dup, p.Gly21822fs (NM_001256850.1); c.43184_43187dup, p.Gly14398fs (NM_003319.4); c.62675_62678dup, p.Gly20895fs (NM_133378.4); c.43559_43562dup, p.Gly14523fs (NM_133432.3); c.43760_43763dup, p.Gly14590fs (NM_133437.4); short protein forms G14398fs, G14523fs, G14590fs, G23463fs, G20895fs, G21822fs.
Identifiers: ClinVar variation 1345232 (VCV001345232.6), dbSNP rs2154172514, ClinGen allele CA2573134322.

ClinVar aggregate classification (germline): Likely pathogenic (1 of 4 stars; one submission).

Conditions:
Dilated cardiomyopathy 1G (CMD1G). Identifiers: Orphanet 154, MedGen C1858763, MONDO:0011400, OMIM 604145.
Autosomal recessive limb-girdle muscular dystrophy type 2J (LGMDR10). Also called: Limb-girdle muscular dystrophy, type 2J; MUSCULAR DYSTROPHY, LIMB-GIRDLE, AUTOSOMAL RECESSIVE 10. Identifiers: Orphanet 140922, MedGen C1837342, MONDO:0012127, OMIM 608807.

Submission:

Labcorp Genetics (formerly Invitae), Labcorp
Classification: Likely pathogenic for Dilated cardiomyopathy 1G; Autosomal recessive limb-girdle muscular dystrophy type 2J. Last evaluated: 2022-01-03. Review status: criteria provided, single submitter. Criteria: Invitae Variant Classification Sherloc (09022015). Collection method: clinical testing. Allele origin: germline.
Comment: This sequence change creates a premature translational stop signal (p.Gly23463Argfs*15) in the TTN gene. While this is not anticipated to result in nonsense mediated decay, it is expected to create a truncated TTN protein. In summary, the currently available evidence indicates that the variant is pathogenic, but additional data are needed to prove that conclusively. Therefore, this variant has been classified as Likely Pathogenic. This variant is located in the A band of TTN (PMID: 25589632). Truncating variants in this region are significantly overrepresented in patients affected with dilated cardiomyopathy (PMID: 25589632). Truncating variants in this region have also been reported in individuals affected with autosomal recessive centronuclear myopathy (PMID: 23975875). This variant has not been reported in the literature in individuals affected with TTN-related conditions. This variant is not present in population databases (gnomAD no frequency).

Literature cited by the submitters: PubMed 25589632; PubMed 23975875.